The following is an entry in ClinVar:

NM_002742.3(PRKD1):c.1392+6A>G

Gene: PRKD1 (protein kinase D1; minus strand). Cytogenetic location: 14q12.
Variant type: single nucleotide variant.
Coding change: c.1392+6A>G on transcript NM_002742.3 (MANE Select); 6 bases into the intron after coding-DNA position 1392, A replaced by G.
Molecular consequence: intron variant.
Genome position (GRCh38, 1-based): chr14:29,632,863, T>C on the plus strand (A>G on the coding strand, the complement: PRKD1 is on the minus strand). VCF-style: chr14-29632863-T-C. GRCh37 (hg19) VCF-style: chr14-30102069-T-C.
Other names: c.1416+6A>G (NM_001330069.1, NM_001330069.2); c.1128+6A>G (NM_001348390.1).
Identifiers: ClinVar variation 788800 (VCV000788800.31), dbSNP rs200000096, ClinGen allele CA7141174.

ClinVar aggregate classification (germline): Benign/Likely benign. Review status: criteria provided, multiple submitters, no conflicts (2 of 4 stars). 4 submissions from 4 submitters: Benign (1); Likely benign (2). 1 of the submissions does not count toward it. Last evaluated 2024-07-15.

Conditions:
PRKD1-related disorder. Also called: PRKD1-related condition.

Allele frequency attached by ClinVar (database versions not stated): gnomAD exomes 0.00016 and 0.00047; ExAC 0.00056; 1000 Genomes Project 0.00160; gnomAD 0.00169 and 0.00185; 1000 Genomes Project 30x 0.00172; TOPMed 0.00172; ESP Exome Variant Server 0.00200.
gnomAD v4.1: 496 of 1,604,538 alleles (0.031%); highest among the groups gnomAD compares: African/African-American, 0.56%; 2 homozygotes.

Submissions (4):

Blueprint Genetics
Classification: Likely benign. Last evaluated: 2024-07-15. Review status: criteria provided, single submitter. Criteria: ACMG Guidelines, 2015. Collection method: clinical testing. Allele origin: germline.

CeGaT Center for Human Genetics Tuebingen
Classification: Likely benign. Last evaluated: 2023-09-01. Review status: criteria provided, single submitter. Criteria: CeGaT Center For Human Genetics Tuebingen Variant Classification Criteria Version 2. Collection method: clinical testing. Allele origin: germline. Affected: yes. Observed: 1 variant allele.
Comment: PRKD1: BP4

Labcorp Genetics (formerly Invitae), Labcorp
Classification: Benign. Last evaluated: 2019-12-31. Review status: criteria provided, single submitter. Criteria: Invitae Variant Classification Sherloc (09022015). Collection method: clinical testing. Allele origin: germline.

PreventionGenetics, part of Exact Sciences
Classification: Likely benign for PRKD1-related condition. Last evaluated: 2021-02-01. Review status: no assertion criteria provided. Collection method: clinical testing. Allele origin: germline. Not counted in ClinVar's aggregate classification.
Comment: This variant is classified as likely benign based on ACMG/AMP sequence variant interpretation guidelines (Richards et al. 2015 PMID: 25741868, with internal and published modifications).